The following is an entry in ClinVar:

ClinVar aggregate classification (germline): Uncertain significance (1 of 4 stars; one submission).

Conditions:
Long QT syndrome (LQTS). Identifiers: MedGen C0023976, MeSH D008133, MONDO:0002442. Disease mechanism: loss of function. Inheritance: Various modes of inheritance.

Submission:

Labcorp Genetics (formerly Invitae), Labcorp
Classification: Uncertain significance for Long QT syndrome. Last evaluated: 2021-12-26. Review status: criteria provided, single submitter. Criteria: Invitae Variant Classification Sherloc (09022015). Collection method: clinical testing. Allele origin: germline.
Comment: In summary, the available evidence is currently insufficient to determine the role of this variant in disease. Therefore, it has been classified as a Variant of Uncertain Significance. Algorithms developed to predict the effect of missense changes on protein structure and function (SIFT, PolyPhen-2, Align-GVGD) all suggest that this variant is likely to be tolerated. This variant has not been reported in the literature in individuals affected with KCNH2-related conditions. This variant is not present in population databases (gnomAD no frequency). This sequence change replaces threonine, which is neutral and polar, with isoleucine, which is neutral and non-polar, at codon 1083 of the KCNH2 protein (p.Thr1083Ile).

NM_000238.4(KCNH2):c.3248C>T (p.Thr1083Ile)

Gene: KCNH2 (potassium voltage-gated channel subfamily H member 2; minus strand). Cytogenetic location: 7q36.1.
Variant type: single nucleotide variant.
Coding change: c.3248C>T on transcript NM_000238.4 (MANE Select); coding-DNA position 3248, C replaced by T.
Protein change: p.Thr1083Ile; replaces threonine 1083 with isoleucine.
Molecular consequence: missense variant.
Genome position (GRCh38, 1-based): chr7:150,946,959, G>A on the plus strand (C>T on the coding strand, the complement: KCNH2 is on the minus strand). VCF-style: chr7-150946959-G-A. GRCh37 (hg19) VCF-style: chr7-150644047-G-A.
Other names: c.2960C>T, p.Thr987Ile (NM_001406753.1); c.2228C>T, p.Thr743Ile (NM_172057.3); short protein forms T1083I, T743I, T987I.
Identifiers: ClinVar variation 2061397 (VCV002061397.4), dbSNP rs2486000786, ClinGen allele CA369852108.